The following is an entry in ClinVar:

ClinVar aggregate classification (germline): Likely benign. Review status: criteria provided, single submitter (1 of 4 stars). 2 submissions from 2 submitters: Likely benign (1). 1 of the submissions does not count toward it. Last evaluated 2021-04-18.

Conditions:
POLR1A-related disorder. Also called: POLR1A-related condition.

Allele frequency attached by ClinVar (database versions not stated): gnomAD exomes 0.00001 and 0.00004; TOPMed 0.00002; gnomAD 0.00004.
gnomAD v4.1: 68 of 1,614,090 alleles (0.0042%); highest among the groups gnomAD compares: East Asian, 0.1%; no homozygotes.

Submissions (2):

Labcorp Genetics (formerly Invitae), Labcorp
Classification: Likely benign. Last evaluated: 2021-04-18. Review status: criteria provided, single submitter. Criteria: Invitae Variant Classification Sherloc (09022015). Collection method: clinical testing. Allele origin: germline.

PreventionGenetics, part of Exact Sciences
Classification: Likely benign for POLR1A-related condition. Last evaluated: 2019-06-11. Review status: no assertion criteria provided. Collection method: clinical testing. Allele origin: germline. Not counted in ClinVar's aggregate classification.
Comment: This variant is classified as likely benign based on ACMG/AMP sequence variant interpretation guidelines (Richards et al. 2015 PMID: 25741868, with internal and published modifications).

NM_015425.6(POLR1A):c.4851G>A (p.Ala1617=)

Gene: POLR1A (RNA polymerase I subunit A; minus strand). Cytogenetic location: 2p11.2.
Variant type: single nucleotide variant.
Coding change: c.4851G>A on transcript NM_015425.6 (MANE Select); coding-DNA position 4851, G replaced by A.
Protein change: p.Ala1617=; no amino-acid change (alanine 1617 retained).
Molecular consequence: synonymous variant.
Genome position (GRCh38, 1-based): chr2:86,028,640, C>T on the plus strand (G>A on the coding strand, the complement: POLR1A is on the minus strand). VCF-style: chr2-86028640-C-T. GRCh37 (hg19) VCF-style: chr2-86255763-C-T.
Other names: c.4851G>A (NM_015425.4).
Identifiers: ClinVar variation 1533592 (VCV001533592.10), dbSNP rs1219659848, ClinGen allele CA427146823.